The following is an entry in ClinVar:

ClinVar aggregate classification (germline): Pathogenic. Review status: criteria provided, multiple submitters, no conflicts (2 of 4 stars). 3 submissions from 3 submitters: Pathogenic (3). Last evaluated 2025-08-18.

Conditions:
Hereditary cancer-predisposing syndrome. Also called: Hereditary neoplastic syndrome; Neoplastic Syndromes, Hereditary; Tumor predisposition; Hereditary Cancer Syndrome. Identifiers: Orphanet 140162, MedGen C0027672, MeSH D009386, MONDO:0015356.
Fanconi anemia complementation group J. Also called: BRIP1-Related Fanconi Anemia. Identifiers: Orphanet 84, MedGen C1836860, MONDO:0012187, OMIM 609054.
Familial cancer of breast. Also called: BREAST CANCER, FAMILIAL; Hereditary breast cancer; hereditary breast carcinoma. Identifiers: Orphanet 227535, MedGen C0346153, MONDO:0016419, OMIM 114480. Disease mechanism: loss of function.

Submissions (3):

Ambry Genetics
Classification: Pathogenic for Hereditary cancer-predisposing syndrome. Last evaluated: 2025-08-18. Review status: criteria provided, single submitter. Criteria: Ambry Variant Classification Scheme 2023. Collection method: clinical testing. Allele origin: germline.
Comment: The c.1483dupT pathogenic mutation, located in coding exon 10 of the BRIP1 gene, results from a duplication of T at nucleotide position 1483, causing a translational frameshift with a predicted alternate stop codon (p.S495Ffs*16). This variant is considered to be rare based on population cohorts in the Genome Aggregation Database (gnomAD). This alteration is expected to result in loss of function by premature protein truncation or nonsense-mediated mRNA decay. As such, this alteration is interpreted as a disease-causing mutation.

Myriad Genetics, Inc.
Classification: Pathogenic for Familial cancer of breast. Last evaluated: 2023-06-02. Review status: criteria provided, single submitter. Criteria: Myriad Autosomal Dominant, Autosomal Recessive and X-Linked Classification Criteria (2023). Collection method: clinical testing. Allele origin: unknown.
Comment: This variant is considered pathogenic. This variant creates a frameshift predicted to result in premature protein truncation.

Labcorp Genetics (formerly Invitae), Labcorp
Classification: Pathogenic for Familial cancer of breast; Fanconi anemia complementation group J. Last evaluated: 2022-03-10. Review status: criteria provided, single submitter. Criteria: Invitae Variant Classification Sherloc (09022015). Collection method: clinical testing. Allele origin: germline.
Comment: For these reasons, this variant has been classified as Pathogenic. Algorithms developed to predict the effect of sequence changes on RNA splicing suggest that this variant may disrupt the consensus splice site. ClinVar contains an entry for this variant (Variation ID: 483204). This variant has not been reported in the literature in individuals affected with BRIP1-related conditions. This variant is not present in population databases (gnomAD no frequency). This sequence change creates a premature translational stop signal (p.Ser495Phefs*16) in the BRIP1 gene. It is expected to result in an absent or disrupted protein product. Loss-of-function variants in BRIP1 are known to be pathogenic (PMID: 16116423, 17033622, 21964575).

Literature cited by the submitters: PubMed 16116423 (cited by Labcorp Genetics (formerly Invitae), Labcorp); PubMed 17033622 (cited by Labcorp Genetics (formerly Invitae), Labcorp); PubMed 21964575 (cited by Labcorp Genetics (formerly Invitae), Labcorp).

NM_032043.3(BRIP1):c.1483dup (p.Ser495fs)

Gene: BRIP1 (BRCA1 interacting DNA helicase 1; minus strand). Cytogenetic location: 17q23.2.
Variant type: Duplication.
Coding change: c.1483dup on transcript NM_032043.3 (MANE Select); coding-DNA position 1483, one base duplicated (T; older notation c.1483dupT).
Protein change: p.Ser495fs; shifts the reading frame from serine 495.
Molecular consequence: frameshift variant.
Genome position (GRCh38, 1-based): chr17:61,784,415, A duplicated on the plus strand (T on the coding strand, the reverse complement: BRIP1 is on the minus strand); the first of 5 consecutive A bases (chr17:61,784,415-61,784,419); duplicating any one gives the same sequence. VCF-style (leftmost placement, unchanged base first): chr17-61784414-G-GA. GRCh37 (hg19) VCF-style: chr17-59861775-G-GA.
Other names: c.1483dupT (NM_032043.2); short protein forms S495fs.
Identifiers: ClinVar variation 483204 (VCV000483204.12), dbSNP rs1555603622, ClinGen allele CA645583906.